The following is an entry in ClinVar:

ClinVar aggregate classification (germline): Likely benign (1 of 4 stars; one submission).

Allele frequency attached by ClinVar (database versions not stated): gnomAD 0.00001; ExAC 0.00002; TOPMed 0.00002; ESP Exome Variant Server 0.00008.
gnomAD v4.1: 10 of 1,613,976 alleles (0.00062%); highest among the groups gnomAD compares: Non-Finnish European, 0.00085%; no homozygotes.

Submission:

CeGaT Center for Human Genetics Tuebingen
Classification: Likely benign. Last evaluated: 2023-09-01. Review status: criteria provided, single submitter. Criteria: CeGaT Center For Human Genetics Tuebingen Variant Classification Criteria Version 2. Collection method: clinical testing. Allele origin: germline. Affected: yes. Observed: 1 variant allele.
Comment: RBFOX1: BP4

NM_018723.4(RBFOX1):c.309G>A (p.Gln103=)

Genes: RBFOX1 (RNA binding fox-1 homolog 1; plus strand), LOC126862278 (CDK7 strongly-dependent group 2 enhancer GRCh37_chr16:7629446-7630645; plus strand). Cytogenetic location: 16p13.3.
Variant type: single nucleotide variant.
Coding change: c.309G>A on transcript NM_018723.4 (MANE Select); coding-DNA position 309, G replaced by A.
Protein change: p.Gln103=; no amino-acid change (glutamine 103 retained).
Molecular consequence: synonymous variant.
Genome position (GRCh38, 1-based): chr16:7,579,815, G>A. VCF-style: chr16-7579815-G-A. GRCh37 (hg19) VCF-style: chr16-7629817-G-A.
Other names: c.309G>A, p.Gln103= (NM_001142333.2, NM_001142334.2, NM_001364800.2 and 1 more transcripts); c.438G>A, p.Gln146= (NM_001308117.1, NM_001411047.1, NM_001415891.1 and 5 more transcripts); c.906G>A, p.Gln302= (NM_001415887.1, NM_001415888.1); c.417G>A, p.Gln139= (NM_001415889.1, NM_001415892.1, NM_001415894.1 and 5 more transcripts); c.384G>A, p.Gln128= (NM_001415890.1, NM_001415893.1, NM_001415913.1 and 4 more transcripts); c.315G>A, p.Gln105= (NM_001415911.1, NM_001415917.1, NM_001415902.1); c.369G>A, p.Gln123= (NM_001415915.1, NM_145891.3, NM_145892.3 and 4 more transcripts).
Identifiers: ClinVar variation 2646177 (VCV002646177.24), dbSNP rs372902717, ClinGen allele CA7891444.